The following is an entry in ClinVar:

ClinVar aggregate classification (germline): Uncertain significance (1 of 4 stars; one submission).

Conditions:
Ataxia-telangiectasia syndrome (AT). Also called: Ataxia-telangiectasia, complementation group E; Cerebello-oculocutaneous telangiectasia; Immunodeficiency with ataxia telangiectasia; Ataxia-telangiectasia, complementation group D; AT, COMPLEMENTATION GROUP C; Ataxia-telangiectasia. Identifiers: Orphanet 100, MedGen C0004135, MONDO:0008840, OMIM 208900.

gnomAD v4.1: 1 of 1,614,036 alleles (0.000062%); highest among the groups gnomAD compares: Non-Finnish European, 0.000085%; no homozygotes.

Submission:

Labcorp Genetics (formerly Invitae), Labcorp
Classification: Uncertain significance for Ataxia-telangiectasia syndrome. Last evaluated: 2024-03-26. Review status: criteria provided, single submitter. Criteria: Invitae Variant Classification Sherloc (09022015). Collection method: clinical testing. Allele origin: germline.
Comment: This sequence change replaces serine, which is neutral and polar, with phenylalanine, which is neutral and non-polar, at codon 917 of the ATM protein (p.Ser917Phe). This variant is not present in population databases (gnomAD no frequency). This variant has not been reported in the literature in individuals affected with ATM-related conditions. ClinVar contains an entry for this variant (Variation ID: 853476). An algorithm developed to predict the effect of missense changes on protein structure and function (PolyPhen-2) suggests that this variant is likely to be disruptive. In summary, the available evidence is currently insufficient to determine the role of this variant in disease. Therefore, it has been classified as a Variant of Uncertain Significance.

NM_000051.4(ATM):c.2750C>T (p.Ser917Phe)

Gene: ATM (ATM serine/threonine kinase; plus strand). Cytogenetic location: 11q22.3.
Variant type: single nucleotide variant.
Coding change: c.2750C>T on transcript NM_000051.4 (MANE Select); coding-DNA position 2750, C replaced by T.
Protein change: p.Ser917Phe; replaces serine 917 with phenylalanine.
Molecular consequence: missense variant.
Genome position (GRCh38, 1-based): chr11:108,268,521, C>T. VCF-style: chr11-108268521-C-T. GRCh37 (hg19) VCF-style: chr11-108139248-C-T.
Other names: c.2750C>T, p.Ser917Phe (NM_001351834.2); short protein forms S917F.
Identifiers: ClinVar variation 853476 (VCV000853476.9), dbSNP rs2081388548, ClinGen allele CA382545431.